The following is an entry in ClinVar:

NM_021629.4(GNB4):c.584A>G (p.Asp195Gly)

Gene: GNB4 (G protein subunit beta 4; minus strand). Cytogenetic location: 3q26.33.
Variant type: single nucleotide variant.
Coding change: c.584A>G on transcript NM_021629.4 (MANE Select); coding-DNA position 584, A replaced by G.
Protein change: p.Asp195Gly; replaces aspartic acid 195 with glycine.
Molecular consequence: missense variant.
Genome position (GRCh38, 1-based): chr3:179,413,527, T>C on the plus strand (A>G on the coding strand, the complement: GNB4 is on the minus strand). VCF-style: chr3-179413527-T-C. GRCh37 (hg19) VCF-style: chr3-179131315-T-C.
Other names: short protein forms D195G.
Identifiers: ClinVar variation 2700915 (VCV002700915.3), dbSNP rs2473900887, ClinGen allele CA355469490.

ClinVar aggregate classification (germline): Uncertain significance (1 of 4 stars; one submission).

Conditions:
Charcot-Marie-Tooth disease dominant intermediate F. Identifiers: Orphanet 352670, MedGen C4749463, MONDO:0014074, OMIM 615185.

Submission:

Labcorp Genetics (formerly Invitae), Labcorp
Classification: Uncertain significance for Charcot-Marie-Tooth disease dominant intermediate F. Last evaluated: 2023-12-04. Review status: criteria provided, single submitter. Criteria: Invitae Variant Classification Sherloc (09022015). Collection method: clinical testing. Allele origin: germline.
Comment: This sequence change replaces aspartic acid, which is acidic and polar, with glycine, which is neutral and non-polar, at codon 195 of the GNB4 protein (p.Asp195Gly). This variant is not present in population databases (gnomAD no frequency). This variant has not been reported in the literature in individuals affected with GNB4-related conditions. Advanced modeling of protein sequence and biophysical properties (such as structural, functional, and spatial information, amino acid conservation, physicochemical variation, residue mobility, and thermodynamic stability) performed at Invitae indicates that this missense variant is not expected to disrupt GNB4 protein function with a negative predictive value of 80%. In summary, the available evidence is currently insufficient to determine the role of this variant in disease. Therefore, it has been classified as a Variant of Uncertain Significance.